The following is an entry in ClinVar:

ClinVar aggregate classification (germline): Uncertain significance (1 of 4 stars; one submission).

gnomAD v4.1: 1 of 1,256,418 alleles (0.00008%); highest among the groups gnomAD compares: Non-Finnish European, 0.0001%; no homozygotes.

Submission:

Labcorp Genetics (formerly Invitae), Labcorp
Classification: Uncertain significance. Last evaluated: 2025-07-30. Review status: criteria provided, single submitter. Criteria: Invitae Variant Classification Sherloc (09022015). Collection method: clinical testing. Allele origin: germline.
Comment: This sequence change replaces lysine, which is basic and polar, with asparagine, which is neutral and polar, at codon 19 of the KCNQ5 protein (p.Lys19Asn). This variant is not present in population databases (gnomAD no frequency). This variant has not been reported in the literature in individuals affected with KCNQ5-related conditions. Invitae Evidence Modeling of protein sequence and biophysical properties (such as structural, functional, and spatial information, amino acid conservation, physicochemical variation, residue mobility, and thermodynamic stability) indicates that this missense variant is not expected to disrupt KCNQ5 protein function with a negative predictive value of 95%. In summary, the available evidence is currently insufficient to determine the role of this variant in disease. Therefore, it has been classified as a Variant of Uncertain Significance.

NM_019842.4(KCNQ5):c.57G>C (p.Lys19Asn)

Genes: KCNQ5 (potassium voltage-gated channel subfamily Q member 5; plus strand), KCNQ5-DT (KCNQ5 divergent transcript; minus strand), LOC129996711 (ATAC-STARR-seq lymphoblastoid silent region 17329; plus strand). Cytogenetic location: 6q13.
Variant type: single nucleotide variant.
Coding change: c.57G>C on transcript NM_019842.4 (MANE Select); coding-DNA position 57, G replaced by C.
Protein change: p.Lys19Asn; replaces lysine 19 with asparagine.
Molecular consequence: missense variant.
Genome position (GRCh38, 1-based): chr6:72,622,246, G>C. VCF-style: chr6-72622246-G-C. GRCh37 (hg19) VCF-style: chr6-73331974-G-C.
Other names: c.57G>C, p.Lys19Asn (NM_001160130.2, NM_001160132.2, NM_001160133.2 and 1 more transcripts); short protein forms K19N.
Identifiers: ClinVar variation 4764387 (VCV004764387.1).